The following is an entry in ClinVar:

NM_004977.3(KCNC3):c.46dup (p.Ala16fs)

Genes: KCNC3 (potassium voltage-gated channel subfamily C member 3; minus strand), LOC111811967 (Sharpr-MPRA regulatory region 11330/13384; plus strand). Cytogenetic location: 19q13.33.
Variant type: Duplication.
Coding change: c.46dup on transcript NM_004977.3 (MANE Select); coding-DNA position 46, one base duplicated (G; older notation c.46dupG).
Protein change: p.Ala16fs; shifts the reading frame from alanine 16.
Molecular consequence: frameshift variant. On other transcripts: 5 prime UTR variant (1).
Genome position (GRCh38, 1-based): chr19:50,329,037, C duplicated on the plus strand (G on the coding strand, the reverse complement: KCNC3 is on the minus strand); the first of 5 consecutive C bases (chr19:50,329,037-50,329,041); duplicating any one gives the same sequence. VCF-style (leftmost placement, unchanged base first): chr19-50329036-G-GC. GRCh37 (hg19) VCF-style: chr19-50832293-G-GC.
Other names: c.-183dup (NM_001372305.1); short protein forms A16fs.
Identifiers: ClinVar variation 2444559 (VCV002444559.1), dbSNP rs1019610791, ClinGen allele CA2580097611.

ClinVar aggregate classification (germline): Uncertain significance (1 of 4 stars; one submission).

Submission:

GeneDx
Classification: Uncertain significance. Last evaluated: 2022-09-14. Review status: criteria provided, single submitter. Criteria: GeneDx Variant Classification Process June 2021. Collection method: clinical testing. Allele origin: germline. Affected: yes.
Comment: Not observed at significant frequency in large population cohorts (gnomAD); Frameshift variant predicted to result in protein truncation or nonsense mediated decay in a gene or region of a gene for which loss of function is not a well-established mechanism of disease; Has not been previously published as pathogenic or benign to our knowledge